The following is an entry in ClinVar:

NM_015338.6(ASXL1):c.200G>A (p.Gly67Glu)

Gene: ASXL1 (ASXL transcriptional regulator 1; plus strand). Cytogenetic location: 20q11.21.
Variant type: single nucleotide variant.
Coding change: c.200G>A on transcript NM_015338.6 (MANE Select); coding-DNA position 200, G replaced by A.
Protein change: p.Gly67Glu; replaces glycine 67 with glutamic acid.
Molecular consequence: missense variant.
Genome position (GRCh38, 1-based): chr20:32,369,071, G>A. VCF-style: chr20-32369071-G-A. GRCh37 (hg19) VCF-style: chr20-30956874-G-A.
Other names: c.200G>A, p.Gly67Glu (NM_001164603.1); c.170G>A, p.Gly57Glu (NM_001363734.1); short protein forms G57E, G67E.
Identifiers: ClinVar variation 4588593 (VCV004588593.1).
Genomic context (GRCh38, chr20:32,369,071, plus strand): 5'-ACAGTGGGACTTCCCCTCTCGCATGCCTCAATGCTATGCTACATTCCAATTCAAGAGGAG[G>A]AGAGGGGTTGTTTTATAAACTGCCTGGCCGAATCAGCCTTTTCACGCTCAAGGTAAGTGA-3'
Protein context (NP_056153.2, residues 57-77): NAMLHSNSRG[Gly67Glu]EGLFYKLPGR

ClinVar aggregate classification (germline): Uncertain significance (1 of 4 stars; one submission).

Conditions:
Inborn genetic diseases. Identifiers: MedGen C0950123, MeSH D030342.

Submission:

Ambry Genetics
Classification: Uncertain significance for Inborn genetic diseases. Last evaluated: 2025-11-16. Review status: criteria provided, single submitter. Criteria: Ambry Variant Classification Scheme 2023. Collection method: clinical testing. Allele origin: germline.
Comment: The p.G67E variant (also known as c.200G>A), located in coding exon 4 of the ASXL1 gene, results from a G to A substitution at nucleotide position 200. The glycine at codon 67 is replaced by glutamic acid, an amino acid with similar properties. This amino acid position is conserved. In addition, this alteration is predicted to be tolerated by in silico analysis. Based on the available evidence, the clinical significance of this variant remains unclear.